The following is an entry in ClinVar:

ClinVar aggregate classification (germline): Uncertain significance (1 of 4 stars; one submission).

Conditions:
Atypical glycine encephalopathy. Also called: Glycine encephalopathy with normal serum glycine. Identifiers: Orphanet 289863, MedGen C4310943, MONDO:0015010, OMIM 617301.

gnomAD v4.1: 15 of 1,614,034 alleles (0.00093%); highest among the groups gnomAD compares: Non-Finnish European, 0.0013%; no homozygotes.

Submission:

Labcorp Genetics (formerly Invitae), Labcorp
Classification: Uncertain significance for Atypical glycine encephalopathy. Last evaluated: 2025-06-20. Review status: criteria provided, single submitter. Criteria: Invitae Variant Classification Sherloc (09022015). Collection method: clinical testing. Allele origin: germline.
Comment: This sequence change replaces alanine, which is neutral and non-polar, with serine, which is neutral and polar, at codon 235 of the SLC6A9 protein (p.Ala235Ser). This variant is present in population databases (rs200984575, gnomAD 0.002%). This variant has not been reported in the literature in individuals affected with SLC6A9-related conditions. ClinVar contains an entry for this variant (Variation ID: 1488587). An algorithm developed to predict the effect of missense changes on protein structure and function (PolyPhen-2) suggests that this variant is likely to be tolerated. In summary, the available evidence is currently insufficient to determine the role of this variant in disease. Therefore, it has been classified as a Variant of Uncertain Significance.

NM_001024845.3(SLC6A9):c.484G>T (p.Ala162Ser)

Gene: SLC6A9 (solute carrier family 6 member 9; minus strand). Cytogenetic location: 1p34.1.
Variant type: single nucleotide variant.
Coding change: c.484G>T on transcript NM_001024845.3 (MANE Select); coding-DNA position 484, G replaced by T.
Protein change: p.Ala162Ser; replaces alanine 162 with serine.
Molecular consequence: missense variant. On other transcripts: non-coding transcript variant (1).
Genome position (GRCh38, 1-based): chr1:44,008,459, C>A on the plus strand (G>T on the coding strand, the complement: SLC6A9 is on the minus strand). VCF-style: chr1-44008459-C-A. GRCh37 (hg19) VCF-style: chr1-44474131-C-A.
Other names: c.496G>T, p.Ala166Ser (NM_001261380.2); c.151G>T, p.Ala51Ser (NM_001328626.2, NM_001328630.2); c.421G>T, p.Ala141Ser (NM_001328627.1); c.289G>T, p.Ala97Ser (NM_001328628.1); c.484G>T, p.Ala162Ser (NM_001328629.1); c.541G>T, p.Ala181Ser (NM_006934.4); c.703G>T, p.Ala235Ser (NM_201649.4); short protein forms A141S, A166S, A235S, A181S, A97S, A162S, A51S.
Identifiers: ClinVar variation 1488587 (VCV001488587.4), dbSNP rs200984575, ClinGen allele CA21719443.